The following is an entry in ClinVar:

NM_002693.3(POLG):c.3033A>G (p.Pro1011=)

Gene: POLG (DNA polymerase gamma, catalytic subunit; minus strand). Cytogenetic location: 15q26.1.
Variant type: single nucleotide variant.
Coding change: c.3033A>G on transcript NM_002693.3 (MANE Select); coding-DNA position 3033, A replaced by G.
Protein change: p.Pro1011=; no amino-acid change (proline 1011 retained).
Molecular consequence: synonymous variant.
Genome position (GRCh38, 1-based): chr15:89,319,299, T>C on the plus strand (A>G on the coding strand, the complement: POLG is on the minus strand). VCF-style: chr15-89319299-T-C. GRCh37 (hg19) VCF-style: chr15-89862530-T-C.
Other names: c.3033A>G, p.Pro1011= (NM_001126131.2).
Identifiers: ClinVar variation 2577375 (VCV002577375.4), dbSNP rs774302250, ClinGen allele CA7724265.

ClinVar aggregate classification (germline): Likely benign. Review status: criteria provided, multiple submitters, no conflicts (2 of 4 stars). 2 submissions from 2 submitters: Likely benign (2). Last evaluated 2024-12-27.

Conditions:
Progressive sclerosing poliodystrophy (MTDPS4A). Also called: ALPERS PROGRESSIVE INFANTILE POLIODYSTROPHY; NEURONAL DEGENERATION OF CHILDHOOD WITH LIVER DISEASE, PROGRESSIVE; Mitochondrial DNA depletion syndrome 4A (Alpers type); Mitochondrial DNA Depletion Syndrome 4A; Alpers-Huttenlocher Syndrome (AHS); Alpers Syndrome. Identifiers: Orphanet 726, MedGen C0205710, MONDO:0008758, OMIM 203700.

Allele frequency attached by ClinVar (database versions not stated): ExAC 0.00001; gnomAD exomes 0.00002.
gnomAD v4.1: 32 of 1,614,152 alleles (0.002%); highest among the groups gnomAD compares: Non-Finnish European, 0.0025%; no homozygotes.

Submissions (2):

Labcorp Genetics (formerly Invitae), Labcorp
Classification: Likely benign for Progressive sclerosing poliodystrophy. Last evaluated: 2024-12-27. Review status: criteria provided, single submitter. Criteria: Invitae Variant Classification Sherloc (09022015). Collection method: clinical testing. Allele origin: germline.

Women's Health and Genetics/Laboratory Corporation of America, LabCorp
Classification: Likely benign. Last evaluated: 2023-07-25. Review status: criteria provided, single submitter. Criteria: LabCorp Variant Classification Summary - May 2015. Collection method: clinical testing. Allele origin: germline.
Comment: Variant summary: POLG c.3033A>G alters a non-conserved nucleotide resulting in a synonymous change. 4/4 computational tools predict no significant impact on normal splicing. However, these predictions have yet to be confirmed by functional studies. The variant allele was found at a frequency of 8e-06 in 251220 control chromosomes (gnomAD). The available data on variant occurrences in the general population are insufficient to allow any conclusion about variant significance. To our knowledge, no occurrence of c.3033A>G in individuals affected with POLG-Related Spectrum Disorders and no experimental evidence demonstrating its impact on protein function have been reported. No submitters have cited clinical-significance assessments for this variant to ClinVar after 2014. Based on the evidence outlined above, the variant was classified as likely benign.